The following is an entry in ClinVar:

ClinVar aggregate classification (germline): Benign. Review status: criteria provided, multiple submitters, no conflicts (2 of 4 stars). 2 submissions from 2 submitters: Benign (2). Last evaluated 2018-06-14.

Allele frequency attached by ClinVar (database versions not stated): gnomAD 0.02111 and 0.01945; 1000 Genomes Project 0.02157; 1000 Genomes Project 30x 0.02233; TOPMed 0.02272.
gnomAD v4.1: 2,930 of 152,264 alleles (1.9%); highest among the groups gnomAD compares: African/African-American, 6.5%; 81 homozygotes.

Submissions (2):

GeneDx
Classification: Benign. Last evaluated: 2018-06-14. Review status: criteria provided, single submitter. Criteria: GeneDx Variant Classification (06012015). Collection method: clinical testing. Allele origin: germline. Affected: yes.
Comment: This variant is considered likely benign or benign based on one or more of the following criteria: it is a conservative change, it occurs at a poorly conserved position in the protein, it is predicted to be benign by multiple in silico algorithms, and/or has population frequency not consistent with disease.

Breakthrough Genomics
Classification: Benign. Review status: criteria provided, single submitter. Criteria: ACMG Guidelines, 2015. Collection method: not provided. Allele origin: germline. Inheritance: Autosomal dominant inheritance. Affected: yes.

NM_001127493.3(ANK2):c.21+151A>T

Gene: ANK2 (ankyrin 2; plus strand). Cytogenetic location: 4q25.
Variant type: single nucleotide variant.
Coding change: c.21+151A>T on transcript NM_001127493.3; 151 bases into the intron after coding-DNA position 21, A replaced by T.
Molecular consequence: intron variant.
Genome position (GRCh38, 1-based): chr4:112,904,665, A>T. VCF-style: chr4-112904665-A-T. GRCh37 (hg19) VCF-style: chr4-113825821-A-T.
Other names: c.21+151A>T (NM_001386156.1, NM_001354264.2, NM_001354267.2 and 35 more transcripts); c.72+198448A>T (NM_001386186.2, NM_001386148.2, NM_001354269.3 and 1 more transcripts).
Identifiers: ClinVar variation 675525 (VCV000675525.4), dbSNP rs112428084, ClinGen allele CA104468315.
Genomic context (GRCh38, chr4:112,904,665, plus strand): 5'-AATTTTTATGAAAACAGATTTAAAGATGTTATAGCATTAACAATTTTTTAATTATAAGAA[A>T]TGTAATATACTATAAGACTTTTCTTTCTGTAGTCTAGGCAATTATCATTGGTATCATTTG-3'